The following is an entry in ClinVar:

ClinVar aggregate classification (germline): Uncertain significance (1 of 4 stars; one submission).

Conditions:
Congenital myasthenic syndrome 8. Also called: Myasthenic syndrome, congenital, 8, with pre- and postsynaptic defects; MYASTHENIC SYNDROME, CONGENITAL, DUE TO AGRIN DEFICIENCY. Identifiers: Orphanet 590, MedGen C3808739, MONDO:0014052, OMIM 615120.

Allele frequency attached by ClinVar (database versions not stated): gnomAD exomes 0.00001 and 0.00002; TOPMed 0.00001; gnomAD 0.00002.
gnomAD v4.1: 25 of 1,613,682 alleles (0.0015%); highest among the groups gnomAD compares: South Asian, 0.0044%; no homozygotes.

Submission:

Labcorp Genetics (formerly Invitae), Labcorp
Classification: Uncertain significance for Congenital myasthenic syndrome 8. Last evaluated: 2022-09-01. Review status: criteria provided, single submitter. Criteria: Invitae Variant Classification Sherloc (09022015). Collection method: clinical testing. Allele origin: germline.
Comment: This sequence change replaces alanine, which is neutral and non-polar, with valine, which is neutral and non-polar, at codon 899 of the AGRN protein (p.Ala899Val). In summary, the available evidence is currently insufficient to determine the role of this variant in disease. Therefore, it has been classified as a Variant of Uncertain Significance. Algorithms developed to predict the effect of missense changes on protein structure and function output the following: SIFT: "Tolerated"; PolyPhen-2: "Possibly Damaging"; Align-GVGD: "Class C0". The valine amino acid residue is found in multiple mammalian species, which suggests that this missense change does not adversely affect protein function. ClinVar contains an entry for this variant (Variation ID: 664305). This variant has not been reported in the literature in individuals affected with AGRN-related conditions. This variant is present in population databases (rs201460027, gnomAD 0.01%).

NM_198576.4(AGRN):c.2696C>T (p.Ala899Val)

Gene: AGRN (agrin; plus strand). Cytogenetic location: 1p36.33.
Variant type: single nucleotide variant.
Coding change: c.2696C>T on transcript NM_198576.4 (MANE Select); coding-DNA position 2696, C replaced by T.
Protein change: p.Ala899Val; replaces alanine 899 with valine.
Molecular consequence: missense variant.
Genome position (GRCh38, 1-based): chr1:1,045,979, C>T. VCF-style: chr1-1045979-C-T. GRCh37 (hg19) VCF-style: chr1-981359-C-T.
Other names: c.2696C>T, p.Ala899Val (NM_001305275.2); c.2381C>T, p.Ala794Val (NM_001364727.2); short protein forms A899V, A794V.
Identifiers: ClinVar variation 664305 (VCV000664305.6), dbSNP rs201460027, ClinGen allele CA16757516.